The following is an entry in ClinVar:

NM_080916.3(DGUOK):c.827A>C (p.Asn276Thr)

Genes: DGUOK (deoxyguanosine kinase; plus strand), DGUOK-AS1 (DGUOK antisense RNA 1; minus strand). Cytogenetic location: 2p13.1.
Variant type: single nucleotide variant.
Coding change: c.827A>C on transcript NM_080916.3 (MANE Select); coding-DNA position 827, A replaced by C.
Protein change: p.Asn276Thr; replaces asparagine 276 with threonine.
Molecular consequence: missense variant. On other transcripts: non-coding transcript variant (6).
Genome position (GRCh38, 1-based): chr2:73,958,729, A>C. VCF-style: chr2-73958729-A-C. GRCh37 (hg19) VCF-style: chr2-74185856-A-C.
Other names: c.545A>C, p.Asn182Thr (NM_001318859.2); c.536A>C, p.Asn179Thr (NM_001318860.2, NM_001318861.2); c.518A>C, p.Asn173Thr (NM_001318862.2, NM_001318863.2); c.563A>C, p.Asn188Thr (NM_080918.3); short protein forms N276T, N173T, N188T, N179T, N182T.
Identifiers: ClinVar variation 2004480 (VCV002004480.4), dbSNP rs2467097817, ClinGen allele CA347302118.
Genomic context (GRCh38, chr2:73,958,729, plus strand): 5'-AAAAATGTGAAATTAAACTTCTGATTTTCTCCTTCCCACAGGTAAACACCTTTGTAAAGA[A>C]TCTGTAACCAATACCATGAAGTTCAGGCTGTGATCTGGGCTCCCTGACTTTCTGAAGCTA-3'
Protein context (NP_550438.1, residues 266-277): LMREVNTFVK[Asn276Thr]L

ClinVar aggregate classification (germline): Uncertain significance (1 of 4 stars; one submission).

Submission:

Labcorp Genetics (formerly Invitae), Labcorp
Classification: Uncertain significance. Last evaluated: 2022-06-10. Review status: criteria provided, single submitter. Criteria: Invitae Variant Classification Sherloc (09022015). Collection method: clinical testing. Allele origin: germline.
Comment: In summary, the available evidence is currently insufficient to determine the role of this variant in disease. Therefore, it has been classified as a Variant of Uncertain Significance. Algorithms developed to predict the effect of missense changes on protein structure and function output the following: SIFT: "Tolerated"; PolyPhen-2: "Benign"; Align-GVGD: "Class C0". The threonine amino acid residue is found in multiple mammalian species, which suggests that this missense change does not adversely affect protein function. This variant has not been reported in the literature in individuals affected with DGUOK-related conditions. This variant is not present in population databases (gnomAD no frequency). This sequence change replaces asparagine, which is neutral and polar, with threonine, which is neutral and polar, at codon 276 of the DGUOK protein (p.Asn276Thr).